The following is an entry in ClinVar:

ClinVar aggregate classification (germline): Uncertain significance. Review status: criteria provided, multiple submitters, no conflicts (2 of 4 stars). 2 submissions from 2 submitters: Uncertain significance (2). Last evaluated 2024-12-04.

Conditions:
Inborn genetic diseases. Identifiers: MedGen C0950123, MeSH D030342.

Allele frequency attached by ClinVar (database versions not stated): gnomAD 0.00002; ExAC 0.00004; TOPMed 0.00005.
gnomAD v4.1: 32 of 1,613,268 alleles (0.002%); highest among the groups gnomAD compares: Middle Eastern, 0.033%; no homozygotes.

Submissions (2):

GeneDx
Classification: Uncertain significance. Last evaluated: 2024-12-04. Review status: criteria provided, single submitter. Criteria: GeneDx Variant Classification Process June 2021. Collection method: clinical testing. Allele origin: germline.
Comment: Not observed at significant frequency in large population cohorts (gnomAD); In silico analysis indicates that this missense variant does not alter protein structure/function; Has not been previously published as pathogenic or benign to our knowledge

Ambry Genetics
Classification: Uncertain significance for Inborn genetic diseases. Last evaluated: 2024-01-03. Review status: criteria provided, single submitter. Criteria: Ambry Variant Classification Scheme 2023. Collection method: clinical testing. Allele origin: germline.

NM_033305.3(VPS13A):c.8377A>C (p.Lys2793Gln)

Gene: VPS13A (vacuolar protein sorting 13 homolog A; plus strand). Cytogenetic location: 9q21.2.
Variant type: single nucleotide variant.
Coding change: c.8377A>C on transcript NM_033305.3 (MANE Select); coding-DNA position 8377, A replaced by C.
Protein change: p.Lys2793Gln; replaces lysine 2793 with glutamine.
Molecular consequence: missense variant.
Genome position (GRCh38, 1-based): chr9:77,366,778, A>C. VCF-style: chr9-77366778-A-C. GRCh37 (hg19) VCF-style: chr9-79981694-A-C.
Other names: c.8260A>C, p.Lys2754Gln (NM_001018037.2); c.8377A>C, p.Lys2793Gln (NM_001018038.3, NM_015186.4); short protein forms K2754Q, K2793Q.
Identifiers: ClinVar variation 2428923 (VCV002428923.5), dbSNP rs778697061, ClinGen allele CA5093628.